The following is an entry in ClinVar:

NM_000321.3(RB1):c.2479C>G (p.Pro827Ala)

Gene: RB1 (RB transcriptional corepressor 1; plus strand). Cytogenetic location: 13q14.2.
Variant type: single nucleotide variant.
Coding change: c.2479C>G on transcript NM_000321.3 (MANE Select); coding-DNA position 2479, C replaced by G.
Protein change: p.Pro827Ala; replaces proline 827 with alanine.
Molecular consequence: missense variant.
Genome position (GRCh38, 1-based): chr13:48,465,358, C>G. VCF-style: chr13-48465358-C-G. GRCh37 (hg19) VCF-style: chr13-49039494-C-G.
Other names: short protein forms P827A.
Identifiers: ClinVar variation 1022893 (VCV001022893.8), dbSNP rs1949433950, ClinGen allele CA388168070.

ClinVar aggregate classification (germline): Uncertain significance (1 of 4 stars; one submission).

Conditions:
Retinoblastoma (RB1). Also called: RETINOBLASTOMA, SOMATIC. Identifiers: Orphanet 790, MedGen C0035335, MeSH D012175, MONDO:0008380, OMIM 180200, HP:0009919. Disease mechanism: loss of function. Inheritance: Both sporadic and heritable forms are tested..

Submission:

Labcorp Genetics (formerly Invitae), Labcorp
Classification: Uncertain significance for Retinoblastoma. Last evaluated: 2020-03-17. Review status: criteria provided, single submitter. Criteria: Invitae Variant Classification Sherloc (09022015). Collection method: clinical testing. Allele origin: germline.
Comment: This sequence change replaces proline with alanine at codon 827 of the RB1 protein (p.Pro827Ala). The proline residue is highly conserved and there is a small physicochemical difference between proline and alanine. This variant is not present in population databases (ExAC no frequency). This variant has not been reported in the literature in individuals with RB1-related conditions. Algorithms developed to predict the effect of missense changes on protein structure and function (SIFT, PolyPhen-2, Align-GVGD) all suggest that this variant is likely to be disruptive, but these predictions have not been confirmed by published functional studies and their clinical significance is uncertain. In summary, the available evidence is currently insufficient to determine the role of this variant in disease. Therefore, it has been classified as a Variant of Uncertain Significance.